The following is an entry in ClinVar:

NM_006662.3(SRCAP):c.2760C>T (p.Gly920=)

Gene: SRCAP (Snf2 related CREBBP activator protein; plus strand). Cytogenetic location: 16p11.2.
Variant type: single nucleotide variant.
Coding change: c.2760C>T on transcript NM_006662.3 (MANE Select); coding-DNA position 2760, C replaced by T.
Protein change: p.Gly920=; no amino-acid change (glycine 920 retained).
Molecular consequence: synonymous variant.
Genome position (GRCh38, 1-based): chr16:30,716,422, C>T. VCF-style: chr16-30716422-C-T. GRCh37 (hg19) VCF-style: chr16-30727743-C-T.
Identifiers: ClinVar variation 1258974 (VCV001258974.28), dbSNP rs527275720, ClinGen allele CA8011296.

ClinVar aggregate classification (germline): Benign/Likely benign. Review status: criteria provided, multiple submitters, no conflicts (2 of 4 stars). 4 submissions from 4 submitters: Benign (2); Likely benign (1). 1 of the submissions does not count toward it. Last evaluated 2025-12-13.

Conditions:
SRCAP-related disorder. Also called: SRCAP-related condition.

Allele frequency attached by ClinVar (database versions not stated): gnomAD 0.00006 and 0.00020; TOPMed 0.00008; gnomAD exomes 0.00029 and 0.00061; 1000 Genomes Project 30x 0.00031; 1000 Genomes Project 0.00040; ExAC 0.00068.
gnomAD v4.1: 457 of 1,614,228 alleles (0.028%); highest among the groups gnomAD compares: South Asian, 0.46%; 6 homozygotes.

Submissions (4):

Labcorp Genetics (formerly Invitae), Labcorp
Classification: Benign. Last evaluated: 2025-12-13. Review status: criteria provided, single submitter. Criteria: Invitae Variant Classification Sherloc (09022015). Collection method: clinical testing. Allele origin: germline.

CeGaT Center for Human Genetics Tuebingen
Classification: Likely benign. Last evaluated: 2024-11-01. Review status: criteria provided, single submitter. Criteria: CeGaT Center For Human Genetics Tuebingen Variant Classification Criteria Version 2. Collection method: clinical testing. Allele origin: germline. Affected: yes. Observed: 3 variant alleles.
Comment: SRCAP: BS1

GeneDx
Classification: Benign. Last evaluated: 2021-06-17. Review status: criteria provided, single submitter. Criteria: GeneDx Variant Classification Process June 2021. Collection method: clinical testing. Allele origin: germline. Affected: yes.

PreventionGenetics, part of Exact Sciences
Classification: Benign for SRCAP-related condition. Last evaluated: 2020-11-09. Review status: no assertion criteria provided. Collection method: clinical testing. Allele origin: germline. Not counted in ClinVar's aggregate classification.
Comment: This variant is classified as benign based on ACMG/AMP sequence variant interpretation guidelines (Richards et al. 2015 PMID: 25741868, with internal and published modifications).